The following is an entry in ClinVar:

NM_000478.6(ALPL):c.906C>A (p.Asn302Lys)

Gene: ALPL (alkaline phosphatase, biomineralization associated; plus strand). Cytogenetic location: 1p36.12.
Variant type: single nucleotide variant.
Coding change: c.906C>A on transcript NM_000478.6 (MANE Select); coding-DNA position 906, C replaced by A.
Protein change: p.Asn302Lys; replaces asparagine 302 with lysine.
Molecular consequence: missense variant.
Genome position (GRCh38, 1-based): chr1:21,573,708, C>A. VCF-style: chr1-21573708-C-A. GRCh37 (hg19) VCF-style: chr1-21900201-C-A.
Other names: c.741C>A, p.Asn247Lys (NM_001127501.4); c.675C>A, p.Asn225Lys (NM_001177520.3); c.906C>A, p.Asn302Lys (NM_001369803.2, NM_001369804.2, NM_001369805.2); c.906C>A (NM_000478.4, NM_000478.5); short protein forms N225K, N247K, N302K.
Identifiers: ClinVar variation 1372024 (VCV001372024.7), dbSNP rs560308330, ClinGen allele CA666674.

ClinVar aggregate classification (germline): Uncertain significance. Review status: criteria provided, multiple submitters, no conflicts (2 of 4 stars). 5 submissions from 5 submitters: Uncertain significance (5). Last evaluated 2026-07-07.

Conditions:
Hypophosphatasia. Also called: Phosphoethanol-aminuria. Identifiers: Orphanet 436, MedGen C0020630, MeSH D007014, MONDO:0018570.
ALPL-related disorder. Also called: ALPL-related disorders; ALPL-related condition.

Allele frequency attached by ClinVar (database versions not stated): TOPMed 0.00001; gnomAD 0.00002; 1000 Genomes Project 30x 0.00047; 1000 Genomes Project 0.00060.
gnomAD v4.1: 33 of 1,614,078 alleles (0.002%); highest among the groups gnomAD compares: South Asian, 0.036%; 1 homozygote.

Submissions (5):

PreventionGenetics, part of Exact Sciences
Classification: Uncertain significance for ALPL-related condition. Last evaluated: 2026-07-07. Review status: criteria provided, single submitter. Criteria: ACMG Guidelines, 2015. Collection method: clinical testing. Allele origin: germline.
Comment: The ALPL c.906C>A variant is predicted to result in the amino acid substitution p.Asn302Lys. To our knowledge, this variant has not been reported in the literature. This variant is reported in 0.042% of alleles in individuals of South Asian descent in gnomAD. At this time, the clinical significance of this variant is uncertain due to the absence of conclusive functional and genetic evidence.

Labcorp Genetics (formerly Invitae), Labcorp
Classification: Uncertain significance. Last evaluated: 2025-10-29. Review status: criteria provided, single submitter. Criteria: Invitae Variant Classification Sherloc (09022015). Collection method: clinical testing. Allele origin: germline.
Comment: This sequence change replaces asparagine, which is neutral and polar, with lysine, which is basic and polar, at codon 302 of the ALPL protein (p.Asn302Lys). This variant is present in population databases (rs560308330, gnomAD 0.04%). This variant has not been reported in the literature in individuals affected with ALPL-related conditions. ClinVar contains an entry for this variant (Variation ID: 1372024). Invitae Evidence Modeling of protein sequence and biophysical properties (such as structural, functional, and spatial information, amino acid conservation, physicochemical variation, residue mobility, and thermodynamic stability) indicates that this missense variant is expected to disrupt ALPL protein function with a positive predictive value of 95%. In summary, the available evidence is currently insufficient to determine the role of this variant in disease. Therefore, it has been classified as a Variant of Uncertain Significance.

Genomenon, Inc
Classification: Uncertain significance for Hypophosphatasia. Last evaluated: 2025-08-29. Review status: criteria provided, single submitter. Criteria: Genomenon Sequence Variant Interpretation Standards. Collection method: curation. Allele origin: germline. Affected: yes.
Comment: ALPL c.906C>A is a missense variant that changes the amino acid at residue 302 from Asparagine to Lysine. This variant has been observed in at least one proband affected with hypophosphatasia (PMID:37118032). It is absent or not present at a significant frequency in gnomAD. In conclusion, we classify ALPL p.Asn302Lys (c.906C>A) as a variant of unknown significance.

GeneDx
Classification: Uncertain significance. Last evaluated: 2023-02-27. Review status: criteria provided, single submitter. Criteria: GeneDx Variant Classification Process June 2021. Collection method: clinical testing. Allele origin: germline. Affected: yes.
Comment: In silico analysis supports that this missense variant has a deleterious effect on protein structure/function; Has not been previously published as pathogenic or benign to our knowledge

JKU Lab, Dept of Paediatrics, Johannes Kepler University
Classification: Uncertain significance for Hypophosphatasia. Last evaluated: 2022-12-13. Review status: criteria provided, single submitter. Criteria: ACMG Guidelines, 2015. Collection method: clinical testing. Allele origin: germline. Affected: yes. Observed: 1 heterozygote.
Comment: Absent in GnomAD.

Literature cited by the submitters: PubMed 37118032 (cited by Genomenon, Inc).